The following is an entry in ClinVar:

ClinVar aggregate classification (germline): Uncertain significance (1 of 4 stars; one submission).

Submission:

Labcorp Genetics (formerly Invitae), Labcorp
Classification: Uncertain significance. Last evaluated: 2022-06-11. Review status: criteria provided, single submitter. Criteria: Invitae Variant Classification Sherloc (09022015). Collection method: clinical testing. Allele origin: germline.
Comment: This sequence change replaces alanine, which is neutral and non-polar, with threonine, which is neutral and polar, at codon 687 of the CPLANE1 protein (p.Ala687Thr). This variant is not present in population databases (gnomAD no frequency). This variant has not been reported in the literature in individuals affected with CPLANE1-related conditions. Algorithms developed to predict the effect of missense changes on protein structure and function are either unavailable or do not agree on the potential impact of this missense change (SIFT: "Deleterious"; PolyPhen-2: "Probably Damaging"; Align-GVGD: "Class C0"). In summary, the available evidence is currently insufficient to determine the role of this variant in disease. Therefore, it has been classified as a Variant of Uncertain Significance.

NM_001384732.1(CPLANE1):c.2059G>A (p.Ala687Thr)

Gene: CPLANE1 (ciliogenesis and planar polarity effector complex subunit 1; minus strand). Cytogenetic location: 5p13.2.
Variant type: single nucleotide variant.
Coding change: c.2059G>A on transcript NM_001384732.1 (MANE Select); coding-DNA position 2059, G replaced by A.
Protein change: p.Ala687Thr; replaces alanine 687 with threonine.
Molecular consequence: missense variant.
Genome position (GRCh38, 1-based): chr5:37,226,536, C>T on the plus strand (G>A on the coding strand, the complement: CPLANE1 is on the minus strand). VCF-style: chr5-37226536-C-T. GRCh37 (hg19) VCF-style: chr5-37226638-C-T.
Other names: c.2059G>A, p.Ala687Thr (NM_023073.4); short protein forms A687T.
Identifiers: ClinVar variation 2191965 (VCV002191965.1), dbSNP rs2548580370, ClinGen allele CA359496984.